The following is an entry in ClinVar:

ClinVar aggregate classification (germline): Conflicting classifications of pathogenicity. Review status: criteria provided, conflicting classifications (1 of 4 stars). 2 submissions from 2 submitters: Uncertain significance (1); Likely benign (1). Last evaluated 2025-07-18.

Conditions:
Catecholaminergic polymorphic ventricular tachycardia 1. Also called: VENTRICULAR TACHYCARDIA, CATECHOLAMINERGIC POLYMORPHIC, 1, WITH OR WITHOUT ATRIAL DYSFUNCTION AND/OR DILATED CARDIOMYOPATHY; VENTRICULAR TACHYCARDIA, STRESS-INDUCED POLYMORPHIC 1; RYR2-Related Catecholaminergic Polymorphic Ventricular Tachycardia. Identifiers: Orphanet 3286, MedGen C1631597, MONDO:0011484, OMIM 604772.
Cardiovascular phenotype. Identifiers: MedGen CN230736.

Allele frequency attached by ClinVar (database versions not stated): gnomAD 0.00001; TOPMed 0.00002; ESP Exome Variant Server 0.00009.

Submissions (2):

Labcorp Genetics (formerly Invitae), Labcorp
Classification: Likely benign for Catecholaminergic polymorphic ventricular tachycardia 1. Last evaluated: 2025-07-18. Review status: criteria provided, single submitter. Criteria: Invitae Variant Classification Sherloc (09022015). Collection method: clinical testing. Allele origin: germline.

Ambry Genetics
Classification: Uncertain significance for Cardiovascular phenotype. Last evaluated: 2021-10-29. Review status: criteria provided, single submitter. Criteria: Ambry Variant Classification Scheme 2023. Collection method: clinical testing. Allele origin: germline.
Comment: The c.1052-5C>G intronic variant results from a C to G substitution 5 nucleotides upstream from coding exon 13 in the TRDN gene. This nucleotide position is poorly conserved in available vertebrate species. In silico splice site analysis predicts that this alteration will not have any significant effect on splicing. Since supporting evidence is limited at this time, the clinical significance of this alteration remains unclear.

NM_006073.4(TRDN):c.1052-5C>G

Gene: TRDN (triadin; minus strand). Cytogenetic location: 6q22.31.
Variant type: single nucleotide variant.
Coding change: c.1052-5C>G on transcript NM_006073.4 (MANE Select); 5 bases into the intron before coding-DNA position 1052, C replaced by G.
Molecular consequence: intron variant.
Genome position (GRCh38, 1-based): chr6:123,393,682, G>C on the plus strand (C>G on the coding strand, the complement: TRDN is on the minus strand). VCF-style: chr6-123393682-G-C. GRCh37 (hg19) VCF-style: chr6-123714827-G-C.
Other names: c.1055-5C>G (NM_001251987.2).
Identifiers: ClinVar variation 1777438 (VCV001777438.3), dbSNP rs375793430, ClinGen allele CA147259937.
Genomic context (GRCh38, chr6:123,393,682, plus strand): 5'-ACCTTGTGCTGCAATTTTTACAGTCCCTTGTTTGGTTTCAGAAGCTTTTCCCGGCTCTTG[G>C]AATGAAAAAAACATAAATTACCATGAAGTATGATTTTGGAAAAATATATAAATAAAAAAG-3'